The following is an entry in ClinVar:

NM_017934.7(PHIP):c.4072G>C (p.Asp1358His)

Genes: IRAK1BP1 (interleukin 1 receptor associated kinase 1 binding protein 1; plus strand), PHIP (pleckstrin homology domain interacting protein; minus strand). Cytogenetic location: 6q14.1.
Variant type: single nucleotide variant.
Coding change: c.4072G>C on transcript NM_017934.7 (MANE Select); coding-DNA position 4072, G replaced by C.
Protein change: p.Asp1358His; replaces aspartic acid 1358 with histidine.
Molecular consequence: missense variant.
Genome position (GRCh38, 1-based): chr6:78,947,757, C>G on the plus strand (G>C on the coding strand, the complement: PHIP is on the minus strand). VCF-style: chr6-78947757-C-G. GRCh37 (hg19) VCF-style: chr6-79657474-C-G.
Other names: short protein forms D1358H.
Identifiers: ClinVar variation 3600687 (VCV003600687.1).

ClinVar aggregate classification (germline): Uncertain significance (1 of 4 stars; one submission).

Submission:

GeneDx
Classification: Uncertain significance. Last evaluated: 2024-07-22. Review status: criteria provided, single submitter. Criteria: GeneDx Variant Classification Process June 2021. Collection method: clinical testing. Allele origin: germline. Affected: yes.
Comment: Not observed at significant frequency in large population cohorts (gnomAD); In silico analysis supports that this missense variant has a deleterious effect on protein structure/function; Has not been previously published as pathogenic or benign to our knowledge